The following is an entry in ClinVar:

NM_004946.3(DOCK2):c.4560G>T (p.Glu1520Asp)

Gene: DOCK2 (dedicator of cytokinesis 2; plus strand). Cytogenetic location: 5q35.1.
Variant type: single nucleotide variant.
Coding change: c.4560G>T on transcript NM_004946.3 (MANE Select); coding-DNA position 4560, G replaced by T.
Protein change: p.Glu1520Asp; replaces glutamic acid 1520 with aspartic acid.
Molecular consequence: missense variant. On other transcripts: non-coding transcript variant (1).
Genome position (GRCh38, 1-based): chr5:170,067,602, G>T. VCF-style: chr5-170067602-G-T. GRCh37 (hg19) VCF-style: chr5-169494606-G-T.
Other names: short protein forms E1520D.
Identifiers: ClinVar variation 3719936 (VCV003719936.2).
Genomic context (GRCh38, chr5:170,067,602, plus strand): 5'-AACCATGTCCACGGCCAATGAGAAGATCCTGATGATGATAAACCAGTACCAGAGTGATGA[G>T]ACCCTCCCCATCAACCCACTCTCCATGCTCCTGAACGGGATTGTGGACCCTGCTGTCATG-3'
Protein context (NP_004937.1, residues 1510-1530): LMMINQYQSD[Glu1520Asp]TLPINPLSML

ClinVar aggregate classification (germline): Uncertain significance (1 of 4 stars; one submission).

Conditions:
DOCK2 deficiency. Also called: Immunodeficiency 40. Identifiers: Orphanet 447737, MedGen C4225328, MONDO:0014637, OMIM 616433.

gnomAD v4.1: 1 of 1,614,126 alleles (0.000062%); highest among the groups gnomAD compares: Admixed American, 0.0017%; no homozygotes.

Submission:

Labcorp Genetics (formerly Invitae), Labcorp
Classification: Uncertain significance for DOCK2 deficiency. Last evaluated: 2024-03-29. Review status: criteria provided, single submitter. Criteria: Invitae Variant Classification Sherloc (09022015). Collection method: clinical testing. Allele origin: germline.
Comment: This sequence change replaces glutamic acid, which is acidic and polar, with aspartic acid, which is acidic and polar, at codon 1520 of the DOCK2 protein (p.Glu1520Asp). This variant is present in population databases (no rsID available, gnomAD 0.003%). This variant has not been reported in the literature in individuals affected with DOCK2-related conditions. An algorithm developed to predict the effect of missense changes on protein structure and function (PolyPhen-2) suggests that this variant is likely to be tolerated. In summary, the available evidence is currently insufficient to determine the role of this variant in disease. Therefore, it has been classified as a Variant of Uncertain Significance.